The following is an entry in ClinVar:

ClinVar aggregate classification (germline): Uncertain significance (1 of 4 stars; one submission).

Allele frequency attached by ClinVar (database versions not stated): ExAC 0.00001; gnomAD 0.00001; TOPMed 0.00001.

Submission:

GeneDx
Classification: Uncertain significance. Last evaluated: 2022-04-14. Review status: criteria provided, single submitter. Criteria: GeneDx Variant Classification Process June 2021. Collection method: clinical testing. Allele origin: germline. Affected: yes.
Comment: In silico analysis supports that this missense variant does not alter protein structure/function; Has not been previously published as pathogenic or benign to our knowledge

NM_018896.5(CACNA1G):c.6634A>G (p.Arg2212Gly)

Gene: CACNA1G (calcium voltage-gated channel subunit alpha1 G; plus strand). Cytogenetic location: 17q21.33.
Variant type: single nucleotide variant.
Coding change: c.6634A>G on transcript NM_018896.5 (MANE Select); coding-DNA position 6634, A replaced by G.
Protein change: p.Arg2212Gly; replaces arginine 2212 with glycine.
Molecular consequence: missense variant. On other transcripts: non-coding transcript variant (5), intron variant (3).
Genome position (GRCh38, 1-based): chr17:50,626,251, A>G. VCF-style: chr17-50626251-A-G. GRCh37 (hg19) VCF-style: chr17-48703612-A-G.
Other names: c.6445A>G, p.Arg2149Gly (NM_001256324.2); c.6376A>G, p.Arg2126Gly (NM_001256325.2); c.6364A>G, p.Arg2122Gly (NM_001256326.2); c.6334A>G, p.Arg2112Gly (NM_001256327.2); c.6280A>G, p.Arg2094Gly (NM_001256328.2); c.6253A>G, p.Arg2085Gly (NM_001256329.2, NM_198387.3); c.6220A>G, p.Arg2074Gly (NM_001256330.2); c.6199A>G, p.Arg2067Gly (NM_001256331.2); and 18 more; short protein forms R2062G, R2067G, R2074G, R2078G, R2081G, R2083G, R2085G, R2092G.
Identifiers: ClinVar variation 1710704 (VCV001710704.2), dbSNP rs766468520, ClinGen allele CA8653701.